The following is an entry in ClinVar:

ClinVar aggregate classification (germline): Uncertain significance (1 of 4 stars; one submission).

gnomAD v4.1: 1 of 1,585,840 alleles (0.000063%); highest among the groups gnomAD compares: Non-Finnish European, 0.000087%; no homozygotes.

Submission:

Labcorp Genetics (formerly Invitae), Labcorp
Classification: Uncertain significance. Last evaluated: 2025-08-26. Review status: criteria provided, single submitter. Criteria: Invitae Variant Classification Sherloc (09022015). Collection method: clinical testing. Allele origin: germline.
Comment: This sequence change falls in intron 7 of the PDE6B gene. It does not directly change the encoded amino acid sequence of the PDE6B protein. This variant is not present in population databases (gnomAD no frequency). This variant has not been reported in the literature in individuals affected with PDE6B-related conditions. Algorithms developed to predict the effect of sequence changes on RNA splicing suggest that this variant may disrupt the consensus splice site. In summary, the available evidence is currently insufficient to determine the role of this variant in disease. Therefore, it has been classified as a Variant of Uncertain Significance.

NM_000283.4(PDE6B):c.1060-11T>C

Gene: PDE6B (phosphodiesterase 6B; plus strand). Cytogenetic location: 4p16.3.
Variant type: single nucleotide variant.
Coding change: c.1060-11T>C on transcript NM_000283.4 (MANE Select); 11 bases into the intron before coding-DNA position 1060, T replaced by C.
Molecular consequence: intron variant.
Genome position (GRCh38, 1-based): chr4:656,234, T>C. VCF-style: chr4-656234-T-C. GRCh37 (hg19) VCF-style: chr4-650023-T-C.
Other names: c.1060-11T>C (NM_001145291.2, NM_001440547.1, NM_001440548.1); c.223-11T>C (NM_001379246.1, NM_001379247.1, NM_001145292.2 and 1 more transcripts); c.-48-640T>C (NM_001350155.3).
Identifiers: ClinVar variation 4768262 (VCV004768262.1).